The following is an entry in ClinVar:

ClinVar aggregate classification (germline): Pathogenic (1 of 4 stars; one submission).

Submission:

ISCA site 17
Classification: Pathogenic. Last evaluated: 2011-08-12. Review status: criteria provided, single submitter. Criteria: Kaminsky et al. (Genet Med. 2011). Collection method: clinical testing. Allele origin: unknown. Affected: yes. Observed: 1 variant allele.
Comment: Copy number variation identified through the course of routine clinical cytogenomic testing in postnatal populations. Clinical assertions have been curated as described in Kaminsky et al. 2011.

GRCh38/hg38 3q23-24(chr3:141751960-148246189)x1

Genes: ATP1B3 (ATPase Na+/K+ transporting subunit beta 3; plus strand), ATR (ATR checkpoint kinase; minus strand), CHST2 (carbohydrate sulfotransferase 2; plus strand), DIPK2A (divergent protein kinase domain 2A; plus strand), GK5 (glycerol kinase 5; minus strand) and 104 more. Cytogenetic location: 3q23-24.
Variant type: copy number loss.
Change: copy number 1 (one copy instead of two) of chr3:141,751,960-148,246,189 (6.49 Mb, GRCh38 coordinates, 1-based), cytogenetic band 3q23-24.
Identifiers: ClinVar variation 57835 (VCV000057835.1).